The following is an entry in ClinVar:

ClinVar aggregate classification (germline): Uncertain significance. Review status: criteria provided, multiple submitters, no conflicts (2 of 4 stars). 2 submissions from 2 submitters: Uncertain significance (2). Last evaluated 2026-03-31.

Conditions:
Distal myopathy with posterior leg and anterior hand involvement. Also called: WILLIAMS DISTAL MYOPATHY. Identifiers: Orphanet 63273, MedGen C3279722, MONDO:0013550, OMIM 614065.
Myofibrillar myopathy 5. Also called: Filaminopathy (type); FILAMINOPATHY, AUTOSOMAL DOMINANT. Identifiers: Orphanet 171445, MedGen C1836050, MONDO:0012289, OMIM 609524.
Hypertrophic cardiomyopathy 26. Also called: Cardiomyopathy, familial hypertrophic, 26. Identifiers: Orphanet 75249, MedGen C4310749, MONDO:0014883, OMIM 617047.
Cardiovascular phenotype. Identifiers: MedGen CN230736.

Submissions (2):

Ambry Genetics
Classification: Uncertain significance for Cardiovascular phenotype. Last evaluated: 2026-03-31. Review status: criteria provided, single submitter. Criteria: Ambry Variant Classification Scheme 2023. Collection method: clinical testing. Allele origin: germline.
Comment: The p.G2070D variant (also known as c.6209G>A) is located in coding exon 38 of the FLNC gene. The glycine at codon 2070 is replaced by aspartic acid, an amino acid with similar properties. This change occurs in the first base pair of coding exon 38. This amino acid position is highly conserved in available vertebrate species. In addition, this alteration is predicted to be deleterious by in silico analysis. Based on the available evidence, the clinical significance of this variant remains unclear.

Labcorp Genetics (formerly Invitae), Labcorp
Classification: Uncertain significance for Distal myopathy with posterior leg and anterior hand involvement; Myofibrillar myopathy 5; Hypertrophic cardiomyopathy 26. Last evaluated: 2023-12-18. Review status: criteria provided, single submitter. Criteria: Invitae Variant Classification Sherloc (09022015). Collection method: clinical testing. Allele origin: germline.
Comment: This sequence change replaces glycine, which is neutral and non-polar, with aspartic acid, which is acidic and polar, at codon 2070 of the FLNC protein (p.Gly2070Asp). This variant is present in population databases (no rsID available, gnomAD 0.0009%). This variant has not been reported in the literature in individuals affected with FLNC-related conditions. An algorithm developed to predict the effect of missense changes on protein structure and function (PolyPhen-2) suggests that this variant is likely to be disruptive. In summary, the available evidence is currently insufficient to determine the role of this variant in disease. Therefore, it has been classified as a Variant of Uncertain Significance.

NM_001458.5(FLNC):c.6209G>A (p.Gly2070Asp)

Genes: FLNC (filamin C; plus strand), FLNC-AS1 (FLNC antisense RNA 1; minus strand). Cytogenetic location: 7q32.1.
Variant type: single nucleotide variant.
Coding change: c.6209G>A on transcript NM_001458.5 (MANE Select); coding-DNA position 6209, G replaced by A.
Protein change: p.Gly2070Asp; replaces glycine 2070 with aspartic acid.
Molecular consequence: missense variant.
Genome position (GRCh38, 1-based): chr7:128,853,469, G>A. VCF-style: chr7-128853469-G-A. GRCh37 (hg19) VCF-style: chr7-128493523-G-A.
Other names: c.6110G>A, p.Gly2037Asp (NM_001127487.2); short protein forms G2070D, G2037D.
Identifiers: ClinVar variation 2953798 (VCV002953798.4), dbSNP rs1197333228, ClinGen allele CA369211797.